The following is an entry in ClinVar:

NM_012123.4(MTO1):c.1189C>A (p.His397Asn)

Gene: MTO1 (mitochondrial tRNA translation optimization 1; plus strand). Cytogenetic location: 6q13.
Variant type: single nucleotide variant.
Coding change: c.1189C>A on transcript NM_012123.4 (MANE Select); coding-DNA position 1189, C replaced by A.
Protein change: p.His397Asn; replaces histidine 397 with asparagine.
Molecular consequence: missense variant.
Genome position (GRCh38, 1-based): chr6:73,480,734, C>A. VCF-style: chr6-73480734-C-A. GRCh37 (hg19) VCF-style: chr6-74190457-C-A.
Other names: c.1189C>A, p.His397Asn (NM_001123226.2); c.1264C>A, p.His422Asn (NM_133645.3); c.1189C>A (NM_001123226.1); short protein forms H397N, H422N.
Identifiers: ClinVar variation 1372579 (VCV001372579.7), dbSNP rs1771465246, ClinGen allele CA364715377.

ClinVar aggregate classification (germline): Uncertain significance. Review status: criteria provided, multiple submitters, no conflicts (2 of 4 stars). 2 submissions from 2 submitters: Uncertain significance (2). Last evaluated 2025-01-17.

Conditions:
Inborn genetic diseases. Identifiers: MedGen C0950123, MeSH D030342.
Mitochondrial hypertrophic cardiomyopathy with lactic acidosis due to MTO1 deficiency. Also called: CARDIOMYOPATHY, INFANTILE HYPERTROPHIC MITOCHONDRIAL, AND LACTIC ACIDOSIS; Combined oxidative phosphorylation deficiency 10. Identifiers: Orphanet 314637, MedGen C4749921, MONDO:0013865, OMIM 614702.

Submissions (2):

Ambry Genetics
Classification: Uncertain significance for Inborn genetic diseases. Last evaluated: 2025-01-17. Review status: criteria provided, single submitter. Criteria: Ambry Variant Classification Scheme 2023. Collection method: clinical testing. Allele origin: germline.

Labcorp Genetics (formerly Invitae), Labcorp
Classification: Uncertain significance for Mitochondrial hypertrophic cardiomyopathy with lactic acidosis due to MTO1 deficiency. Last evaluated: 2021-08-05. Review status: criteria provided, single submitter. Criteria: Invitae Variant Classification Sherloc (09022015). Collection method: clinical testing. Allele origin: germline.
Comment: This sequence change replaces histidine with asparagine at codon 397 of the MTO1 protein (p.His397Asn). The histidine residue is weakly conserved and there is a small physicochemical difference between histidine and asparagine. This variant is not present in population databases (ExAC no frequency). This variant has not been reported in the literature in individuals affected with MTO1-related conditions. Algorithms developed to predict the effect of missense changes on protein structure and function (SIFT, PolyPhen-2, Align-GVGD) all suggest that this variant is likely to be tolerated. In summary, the available evidence is currently insufficient to determine the role of this variant in disease. Therefore, it has been classified as a Variant of Uncertain Significance.